The following is an entry in ClinVar:

NM_001130438.3(SPTAN1):c.2028A>C (p.Glu676Asp)

Gene: SPTAN1 (spectrin alpha, non-erythrocytic 1; plus strand). Cytogenetic location: 9q34.11.
Variant type: single nucleotide variant.
Coding change: c.2028A>C on transcript NM_001130438.3 (MANE Select); coding-DNA position 2028, A replaced by C.
Protein change: p.Glu676Asp; replaces glutamic acid 676 with aspartic acid.
Molecular consequence: missense variant.
Genome position (GRCh38, 1-based): chr9:128,583,804, A>C. VCF-style: chr9-128583804-A-C. GRCh37 (hg19) VCF-style: chr9-131346083-A-C.
Other names: c.2028A>C, p.Glu676Asp (NM_001195532.2, NM_001363759.2, NM_001363765.2 and 5 more transcripts); c.2064A>C, p.Glu688Asp (NM_001375312.2, NM_001375318.1); short protein forms E688D, E676D.
Identifiers: ClinVar variation 1408965 (VCV001408965.7), dbSNP rs2131150901, ClinGen allele CA375055982.

ClinVar aggregate classification (germline): Uncertain significance (1 of 4 stars; one submission).

Conditions:
Early-infantile DEE. Also called: Early infantile epileptic encephalopathy; Early infantile epileptic encephalopathy with suppression bursts; Ohtahara syndrome. Identifiers: Orphanet 1934, MedGen C0393706, MONDO:0800491.

gnomAD v4.1: 2 of 1,614,242 alleles (0.00012%); highest among the groups gnomAD compares: Admixed American, 0.0033%; no homozygotes.

Submission:

Labcorp Genetics (formerly Invitae), Labcorp
Classification: Uncertain significance for Early-infantile DEE. Last evaluated: 2025-10-26. Review status: criteria provided, single submitter. Criteria: Invitae Variant Classification Sherloc (09022015). Collection method: clinical testing. Allele origin: germline.
Comment: This sequence change replaces glutamic acid, which is acidic and polar, with aspartic acid, which is acidic and polar, at codon 676 of the SPTAN1 protein (p.Glu676Asp). This variant is not present in population databases (gnomAD no frequency). This variant has not been reported in the literature in individuals affected with SPTAN1-related conditions. ClinVar contains an entry for this variant (Variation ID: 1408965). Invitae Evidence Modeling of protein sequence and biophysical properties (such as structural, functional, and spatial information, amino acid conservation, physicochemical variation, residue mobility, and thermodynamic stability) has been performed for this missense variant. However, the output from this modeling did not meet the statistical confidence thresholds required to predict the impact of this variant on SPTAN1 protein function. In summary, the available evidence is currently insufficient to determine the role of this variant in disease. Therefore, it has been classified as a Variant of Uncertain Significance.